The following is an entry in ClinVar:

ClinVar aggregate classification (germline): Pathogenic/Likely pathogenic. Review status: criteria provided, multiple submitters, no conflicts (2 of 4 stars). 4 submissions from 4 submitters: Pathogenic (1); Likely pathogenic (3). Last evaluated 2025-11-21.

Conditions:
Hereditary cancer-predisposing syndrome. Also called: Hereditary neoplastic syndrome; Neoplastic Syndromes, Hereditary; Hereditary Cancer Syndrome; Tumor predisposition. Identifiers: Orphanet 140162, MedGen C0027672, MeSH D009386, MONDO:0015356.
Cardiovascular phenotype. Identifiers: MedGen CN230736.
Neurofibromatosis, type 1 (NF1). Also called: Neurofibromatosis, type I; NEUROFIBROMATOSIS, TYPE I, SOMATIC; Peripheral type neurofibromatosis; VON RECKLINGHAUSEN DISEASE. Identifiers: Orphanet 636, MedGen C0027831, MONDO:0018975, OMIM 162200. Disease mechanism: loss of function.

Submissions (4):

Ambry Genetics
Classification: Likely pathogenic for Cardiovascular phenotype; Hereditary cancer-predisposing syndrome. Last evaluated: 2025-11-21. Review status: criteria provided, single submitter. Criteria: Ambry Variant Classification Scheme 2023. Collection method: clinical testing. Allele origin: germline.
Comment: The p.L691R variant (also known as c.2072T>G), located in coding exon 18 of the NF1 gene, results from a T to G substitution at nucleotide position 2072. The leucine at codon 691 is replaced by arginine, an amino acid with dissimilar properties. This variant was reported in individual(s) with features consistent with Neurofibromatosis type 1 (Ars E et al. Hum Mol Genet, 2000 Jan;9:237-47, Sabbagh A et al. Hum Mutat, 2013 Nov;34:1510-8, Balla B et al. J. Mol. Neurosci., 2014 Jun;53:204-10; Ambry internal data). This amino acid position is highly conserved in available vertebrate species. In addition, this alteration is predicted to be deleterious by in silico analysis. This variant is considered to be rare based on population cohorts in the Genome Aggregation Database (gnomAD). Based on the majority of available evidence to date, this variant is likely to be pathogenic.

Labcorp Genetics (formerly Invitae), Labcorp
Classification: Pathogenic for Neurofibromatosis, type 1. Last evaluated: 2024-12-22. Review status: criteria provided, single submitter. Criteria: Invitae Variant Classification Sherloc (09022015). Collection method: clinical testing. Allele origin: germline.
Comment: This sequence change replaces leucine, which is neutral and non-polar, with arginine, which is basic and polar, at codon 691 of the NF1 protein (p.Leu691Arg). This variant is not present in population databases (gnomAD no frequency). This missense change has been observed in individual(s) with neurofibromatosis type 1 (PMID: 23913538, 24676943; internal data). ClinVar contains an entry for this variant (Variation ID: 457562). Invitae Evidence Modeling of protein sequence and biophysical properties (such as structural, functional, and spatial information, amino acid conservation, physicochemical variation, residue mobility, and thermodynamic stability) indicates that this missense variant is expected to disrupt NF1 protein function with a positive predictive value of 95%. This variant disrupts the p.Leu691 amino acid residue in NF1. Other variant(s) that disrupt this residue have been determined to be pathogenic (PMID: 31776437; internal data). This suggests that this residue is clinically significant, and that variants that disrupt this residue are likely to be disease-causing. For these reasons, this variant has been classified as Pathogenic.

CeGaT Center for Human Genetics Tuebingen
Classification: Likely pathogenic. Last evaluated: 2020-11-01. Review status: criteria provided, single submitter. Criteria: CeGaT Center For Human Genetics Tuebingen Variant Classification Criteria Version 2. Collection method: clinical testing. Allele origin: germline. Affected: yes. Observed: 1 variant allele.

GeneDx
Classification: Likely pathogenic. Last evaluated: 2020-01-13. Review status: criteria provided, single submitter. Criteria: GeneDx Variant Classification Process June 2021. Collection method: clinical testing. Allele origin: germline. Affected: yes.
Comment: Not observed in large population cohorts (Lek 2016); In silico analysis, which includes protein predictors and evolutionary conservation, supports a deleterious effect; This variant is associated with the following publications: (PMID: 24676943, 23913538)

Literature cited by the submitters: PubMed 10607834 (cited by Ambry Genetics); PubMed 23913538 (cited by Ambry Genetics and Labcorp Genetics (formerly Invitae), Labcorp); PubMed 24676943 (cited by Ambry Genetics and Labcorp Genetics (formerly Invitae), Labcorp); PubMed 31776437 (cited by Labcorp Genetics (formerly Invitae), Labcorp).

NM_001042492.3(NF1):c.2072T>G (p.Leu691Arg)

Gene: NF1 (neurofibromin 1; plus strand). Cytogenetic location: 17q11.2.
Variant type: single nucleotide variant.
Coding change: c.2072T>G on transcript NM_001042492.3 (MANE Select); coding-DNA position 2072, T replaced by G.
Protein change: p.Leu691Arg; replaces leucine 691 with arginine.
Molecular consequence: missense variant.
Genome position (GRCh38, 1-based): chr17:31,226,505, T>G. VCF-style: chr17-31226505-T-G. GRCh37 (hg19) VCF-style: chr17-29553523-T-G.
Other names: c.2072T>G, p.Leu691Arg (NM_000267.4); short protein forms L691R.
Identifiers: ClinVar variation 457562 (VCV000457562.45), dbSNP rs1131691132, ClinGen allele CA398982165.